The following is an entry in ClinVar:

NM_032119.4(ADGRV1):c.12552G>C (p.Leu4184Phe)

Gene: ADGRV1 (adhesion G protein-coupled receptor V1; plus strand). Cytogenetic location: 5q14.3.
Variant type: single nucleotide variant.
Coding change: c.12552G>C on transcript NM_032119.4 (MANE Select); coding-DNA position 12552, G replaced by C.
Protein change: p.Leu4184Phe; replaces leucine 4184 with phenylalanine.
Molecular consequence: missense variant. On other transcripts: non-coding transcript variant (1).
Genome position (GRCh38, 1-based): chr5:90,777,929, G>C. VCF-style: chr5-90777929-G-C. GRCh37 (hg19) VCF-style: chr5-90073746-G-C.
Other names: short protein forms L4184F.
Identifiers: ClinVar variation 964606 (VCV000964606.9), dbSNP rs759475613, ClinGen allele CA360387020.

ClinVar aggregate classification (germline): Uncertain significance. Review status: criteria provided, multiple submitters, no conflicts (2 of 4 stars). 3 submissions from 3 submitters: Uncertain significance (3). Last evaluated 2025-05-20.

gnomAD v4.1: 5 of 1,611,838 alleles (0.00031%); highest among the groups gnomAD compares: Admixed American, 0.0017%; no homozygotes.

Submissions (3):

Women's Health and Genetics/Laboratory Corporation of America, LabCorp
Classification: Uncertain significance. Last evaluated: 2025-05-20. Review status: criteria provided, single submitter. Criteria: LabCorp Variant Classification Summary - May 2015. Collection method: clinical testing. Allele origin: germline.
Comment: Variant summary: ADGRV1 c.12552G>C (p.Leu4184Phe) results in a non-conservative amino acid change in the encoded protein sequence. Algorithms developed to predict the effect of missense changes on protein structure and function are either unavailable or do not agree on the potential impact of this missense change. The variant was absent in 247688 control chromosomes. The available data on variant occurrences in the general population are insufficient to allow any conclusion about variant significance. To our knowledge, no occurrence of c.12552G>C in individuals affected with ADGRV1-Related Disorders and no experimental evidence demonstrating its impact on protein function have been reported. ClinVar contains an entry for this variant (Variation ID: 964606). Based on the evidence outlined above, the variant was classified as uncertain significance.

GeneDx
Classification: Uncertain significance. Last evaluated: 2025-02-24. Review status: criteria provided, single submitter. Criteria: GeneDx Variant Classification Process June 2021. Collection method: clinical testing. Allele origin: germline. Affected: yes.
Comment: Not observed at significant frequency in large population cohorts (gnomAD); In silico analysis indicates that this missense variant does not alter protein structure/function; Has not been previously published as pathogenic or benign to our knowledge

Labcorp Genetics (formerly Invitae), Labcorp
Classification: Uncertain significance. Last evaluated: 2022-07-11. Review status: criteria provided, single submitter. Criteria: Invitae Variant Classification Sherloc (09022015). Collection method: clinical testing. Allele origin: germline.
Comment: This sequence change replaces leucine, which is neutral and non-polar, with phenylalanine, which is neutral and non-polar, at codon 4184 of the ADGRV1 protein (p.Leu4184Phe). This variant is not present in population databases (gnomAD no frequency). This variant has not been reported in the literature in individuals affected with ADGRV1-related conditions. ClinVar contains an entry for this variant (Variation ID: 964606). Algorithms developed to predict the effect of missense changes on protein structure and function output the following: SIFT: "Tolerated"; PolyPhen-2: "Benign"; Align-GVGD: "Class C0". The phenylalanine amino acid residue is found in multiple mammalian species, which suggests that this missense change does not adversely affect protein function. In summary, the available evidence is currently insufficient to determine the role of this variant in disease. Therefore, it has been classified as a Variant of Uncertain Significance.